The following is an entry in ClinVar:

NM_003070.5(SMARCA2):c.872C>G (p.Pro291Arg)

Gene: SMARCA2 (SWI/SNF related BAF chromatin remodeling complex subunit ATPase 2; plus strand). Cytogenetic location: 9p24.3.
Variant type: single nucleotide variant.
Coding change: c.872C>G on transcript NM_003070.5 (MANE Select); coding-DNA position 872, C replaced by G.
Protein change: p.Pro291Arg; replaces proline 291 with arginine.
Molecular consequence: missense variant.
Genome position (GRCh38, 1-based): chr9:2,047,310, C>G. VCF-style: chr9-2047310-C-G. GRCh37 (hg19) VCF-style: chr9-2047310-C-G.
Other names: c.872C>G, p.Pro291Arg (NM_001289396.2, NM_001289397.2, NM_139045.4); short protein forms P291R.
Identifiers: ClinVar variation 1878773 (VCV001878773.4), dbSNP rs1218396728, ClinGen allele CA372780860.

ClinVar aggregate classification (germline): Uncertain significance. Review status: criteria provided, multiple submitters, no conflicts (2 of 4 stars). 2 submissions from 2 submitters: Uncertain significance (2). Last evaluated 2023-05-05.

Submissions (2):

Labcorp Genetics (formerly Invitae), Labcorp
Classification: Uncertain significance. Last evaluated: 2023-05-05. Review status: criteria provided, single submitter. Criteria: Invitae Variant Classification Sherloc (09022015). Collection method: clinical testing. Allele origin: germline.
Comment: The frequency data for this variant in the population databases is considered unreliable, as metrics indicate insufficient coverage at this position in the gnomAD database. This variant has not been reported in the literature in individuals affected with SMARCA2-related conditions. ClinVar contains an entry for this variant (Variation ID: 1878773). Advanced modeling of protein sequence and biophysical properties (such as structural, functional, and spatial information, amino acid conservation, physicochemical variation, residue mobility, and thermodynamic stability) performed at Invitae indicates that this missense variant is not expected to disrupt SMARCA2 protein function. In summary, the available evidence is currently insufficient to determine the role of this variant in disease. Therefore, it has been classified as a Variant of Uncertain Significance. This sequence change replaces proline, which is neutral and non-polar, with arginine, which is basic and polar, at codon 291 of the SMARCA2 protein (p.Pro291Arg).

GeneDx
Classification: Uncertain significance. Last evaluated: 2022-07-08. Review status: criteria provided, single submitter. Criteria: GeneDx Variant Classification Process June 2021. Collection method: clinical testing. Allele origin: germline. Affected: yes.
Comment: Not observed at significant frequency in large population cohorts (gnomAD); In silico analysis supports that this missense variant has a deleterious effect on protein structure/function; Has not been previously published as pathogenic or benign to our knowledge